The following is an entry in ClinVar:

ClinVar aggregate classification (germline): Uncertain significance (1 of 4 stars; one submission).

Submission:

Women's Health and Genetics/Laboratory Corporation of America, LabCorp
Classification: Uncertain significance. Last evaluated: 2025-01-29. Review status: criteria provided, single submitter. Criteria: LabCorp Variant Classification Summary - May 2015. Collection method: clinical testing. Allele origin: germline.
Comment: Variant summary: CPS1 c.794C>G (p.Pro265Arg) results in a non-conservative amino acid change located in the Small chain of the glutamine-dependent form of carbamoyl phosphate synthase, CPSase II domain (IPR035686) of the encoded protein sequence. Five of five in-silico tools predict a damaging effect of the variant on protein function. The variant was absent in 251082 control chromosomes. The available data on variant occurrences in the general population are insufficient to allow any conclusion about variant significance. To our knowledge, no occurrence of c.794C>G in individuals affected with Carbamoylphosphate Synthetase I Deficiency and no experimental evidence demonstrating its impact on protein function have been reported. No submitters have cited clinical-significance assessments for this variant to ClinVar. Based on the evidence outlined above, the variant was classified as uncertain significance.

NM_001875.5(CPS1):c.794C>G (p.Pro265Arg)

Gene: CPS1 (carbamoyl-phosphate synthase 1; plus strand). Cytogenetic location: 2q34.
Variant type: single nucleotide variant.
Coding change: c.794C>G on transcript NM_001875.5 (MANE Select); coding-DNA position 794, C replaced by G.
Protein change: p.Pro265Arg; replaces proline 265 with arginine.
Molecular consequence: missense variant. On other transcripts: non-coding transcript variant (1).
Genome position (GRCh38, 1-based): chr2:210,590,188, C>G. VCF-style: chr2-210590188-C-G. GRCh37 (hg19) VCF-style: chr2-211454912-C-G.
Other names: c.794C>G, p.Pro265Arg (NM_001122633.3, NM_001369257.1); c.827C>G, p.Pro276Arg (NM_001369256.1); short protein forms P265R, P276R.
Identifiers: ClinVar variation 3769175 (VCV003769175.2).